The following is an entry in ClinVar:

NM_014249.4(NR2E3):c.1100+1124G>A

Gene: NR2E3 (nuclear receptor subfamily 2 group E member 3; plus strand). Cytogenetic location: 15q23.
Variant type: single nucleotide variant.
Coding change: c.1100+1124G>A on transcript NM_014249.4 (MANE Select); 1124 bases into the intron after coding-DNA position 1100, G replaced by A.
Molecular consequence: intron variant.
Genome position (GRCh38, 1-based): chr15:71,815,241, G>A. VCF-style: chr15-71815241-G-A. GRCh37 (hg19) VCF-style: chr15-72107582-G-A.
Identifiers: ClinVar variation 2982325 (VCV002982325.3), dbSNP rs1039909828, ClinGen allele CA272575936.

ClinVar aggregate classification (germline): Likely pathogenic (1 of 4 stars; one submission).

Allele frequency attached by ClinVar (database versions not stated): gnomAD 0.00001; TOPMed 0.00001.

Submission:

Labcorp Genetics (formerly Invitae), Labcorp
Classification: Likely pathogenic. Last evaluated: 2023-07-26. Review status: criteria provided, single submitter. Criteria: Invitae Variant Classification Sherloc (09022015). Collection method: clinical testing. Allele origin: germline.
Comment: In summary, the currently available evidence indicates that the variant is pathogenic, but additional data are needed to prove that conclusively. Therefore, this variant has been classified as Likely Pathogenic. Algorithms developed to predict the effect of sequence changes on RNA splicing suggest that this variant may create or strengthen a splice site. This variant has been observed in individual(s) with enhanced s-cone syndrome (PMID: 32881472). In at least one individual the data is consistent with being in trans (on the opposite chromosome) from a pathogenic variant. This variant is not present in population databases (gnomAD no frequency). This sequence change falls in intron 7 of the NR2E3 gene. It does not directly change the encoded amino acid sequence of the NR2E3 protein.

Literature cited by the submitters: PubMed 32881472.